The following is an entry in ClinVar:

NM_205836.3(FBXO38):c.1553A>G (p.Asp518Gly)

Gene: FBXO38 (F-box protein 38; plus strand). Cytogenetic location: 5q32.
Variant type: single nucleotide variant.
Coding change: c.1553A>G on transcript NM_205836.3 (MANE Select); coding-DNA position 1553, A replaced by G.
Protein change: p.Asp518Gly; replaces aspartic acid 518 with glycine.
Molecular consequence: missense variant.
Genome position (GRCh38, 1-based): chr5:148,417,139, A>G. VCF-style: chr5-148417139-A-G. GRCh37 (hg19) VCF-style: chr5-147796702-A-G.
Other names: c.1553A>G, p.Asp518Gly (NM_001271723.2, NM_030793.5); short protein forms D518G.
Identifiers: ClinVar variation 4774572 (VCV004774572.1).
Genomic context (GRCh38, chr5:148,417,139, plus strand): 5'-ATAATAATGCCCAGAATAACAATGCCAACATCCACGACAACAATCACCATCATCCAGATG[A>G]CTCAGACGAGGAGAATGACTTTCGGCAAGATCTGCAGCCAGGAGAGCAGCAGTTTGCAGC-3'
Protein context (NP_995308.1, residues 508-528): IHDNNHHHPD[Asp518Gly]SDEENDFRQD

ClinVar aggregate classification (germline): Uncertain significance (1 of 4 stars; one submission).

Conditions:
Distal hereditary motor neuropathy type 2. Identifiers: Orphanet 139525, MedGen C3711384, MeSH C580044, MONDO:0015352.

Submission:

Labcorp Genetics (formerly Invitae), Labcorp
Classification: Uncertain significance for Distal hereditary motor neuropathy type 2. Last evaluated: 2025-06-15. Review status: criteria provided, single submitter. Criteria: Invitae Variant Classification Sherloc (09022015). Collection method: clinical testing. Allele origin: germline.
Comment: This sequence change replaces aspartic acid, which is acidic and polar, with glycine, which is neutral and non-polar, at codon 518 of the FBXO38 protein (p.Asp518Gly). This variant is not present in population databases (gnomAD no frequency). This variant has not been reported in the literature in individuals affected with FBXO38-related conditions. Invitae Evidence Modeling of protein sequence and biophysical properties (such as structural, functional, and spatial information, amino acid conservation, physicochemical variation, residue mobility, and thermodynamic stability) indicates that this missense variant is not expected to disrupt FBXO38 protein function with a negative predictive value of 80%. In summary, the available evidence is currently insufficient to determine the role of this variant in disease. Therefore, it has been classified as a Variant of Uncertain Significance.